The following is an entry in ClinVar:

ClinVar aggregate classification (germline): Benign/Likely benign. Review status: criteria provided, multiple submitters, no conflicts (2 of 4 stars). 10 submissions from 10 submitters: Benign (2); Likely benign (5). 3 of the submissions do not count toward it. Last evaluated 2026-02-01.

Conditions:
Cardiovascular phenotype. Identifiers: MedGen CN230736.
JUP-related disorder. Also called: JUP-related condition.
Arrhythmogenic right ventricular dysplasia 12. Also called: ARRHYTHMOGENIC RIGHT VENTRICULAR DYSPLASIA, FAMILIAL, 12. Identifiers: MedGen C1969081, MONDO:0012684, OMIM 611528.
Naxos disease (NXD). Also called: WOOLLY HAIR, PALMOPLANTAR KERATODERMA, AND CARDIAC ABNORMALITIES; KERATOSIS PALMOPLANTARIS WITH ARRHYTHMOGENIC CARDIOMYOPATHY; MAL DE NAXOS; PALMOPLANTAR KERATODERMA WITH ARRHYTHMOGENIC RIGHT VENTRICULAR CARDIOMYOPATHY AND WOOLLY HAIR; CARDIOMYOPATHY, ARRHYTHMOGENIC RIGHT VENTRICULAR, WITH SKIN, HAIR, AND NAIL ABNORMALITIES. Identifiers: Orphanet 34217, MedGen C1832600, MONDO:0011017, OMIM 601214.

Allele frequency attached by ClinVar (database versions not stated): ESP Exome Variant Server 0.00008; gnomAD 0.00013 and 0.00023; gnomAD exomes 0.00019 and 0.00037; TOPMed 0.00019; ExAC 0.00044; 1000 Genomes Project 30x 0.00109; 1000 Genomes Project 0.00120.
gnomAD v4.1: 313 of 1,614,174 alleles (0.019%); highest among the groups gnomAD compares: East Asian, 0.42%; 1 homozygote.

Submissions (10):

Labcorp Genetics (formerly Invitae), Labcorp
Classification: Benign for Arrhythmogenic right ventricular dysplasia 12; Naxos disease. Last evaluated: 2026-02-01. Review status: criteria provided, single submitter. Criteria: Invitae Variant Classification Sherloc (09022015). Collection method: clinical testing. Allele origin: germline.

Molecular Diagnostic Laboratory for Inherited Cardiovascular Disease, Montreal Heart Institute
Classification: Likely benign. Last evaluated: 2025-04-09. Review status: criteria provided, single submitter. Criteria: ACMG Guidelines, 2015. Collection method: clinical testing. Allele origin: germline. Affected: no.
Comment: BS1;BP6;BP7

ARUP Laboratories, Molecular Genetics and Genomics, ARUP Laboratories
Classification: Likely benign. Last evaluated: 2024-11-19. Review status: criteria provided, single submitter. Criteria: ARUP Molecular Germline Variant Investigation Process 2024. Collection method: clinical testing. Allele origin: germline.

Blueprint Genetics
Classification: Likely benign. Last evaluated: 2024-08-21. Review status: criteria provided, single submitter. Criteria: ACMG Guidelines, 2015. Collection method: clinical testing. Allele origin: germline.

Ambry Genetics
Classification: Likely benign for Cardiovascular phenotype. Last evaluated: 2019-10-10. Review status: criteria provided, single submitter. Criteria: Ambry Variant Classification Scheme 2023. Collection method: clinical testing. Allele origin: germline.

GeneDx
Classification: Benign. Last evaluated: 2015-05-05. Review status: criteria provided, single submitter. Criteria: GeneDx Variant Classification (06012015). Collection method: clinical testing. Allele origin: germline. Affected: yes.
Comment: This variant is considered likely benign or benign based on one or more of the following criteria: it is a conservative change, it occurs at a poorly conserved position in the protein, it is predicted to be benign by multiple in silico algorithms, and/or has population frequency not consistent with disease.

Laboratory for Molecular Medicine, Mass General Brigham Personalized Medicine
Classification: Likely benign. Last evaluated: 2012-03-19. Review status: criteria provided, single submitter. Criteria: LMM Criteria. Collection method: clinical testing. Allele origin: germline. Observed: 1 variant allele.
Comment: p.Ala455Ala in Exon 08 of JUP: This variant is not expected to have clinical sig nificance because it does not alter an amino acid residue, is not located within the splice consensus sequence. It has been identified in 1/3738 African America n chromosomes from a broad population by the NHLBI Exome Sequencing Project (dbSNP rs77375949).

PreventionGenetics, part of Exact Sciences
Classification: Likely benign for JUP-related condition. Last evaluated: 2019-05-06. Review status: no assertion criteria provided. Collection method: clinical testing. Allele origin: germline. Not counted in ClinVar's aggregate classification.
Comment: This variant is classified as likely benign based on ACMG/AMP sequence variant interpretation guidelines (Richards et al. 2015 PMID: 25741868, with internal and published modifications).

Clinical Genetics, Academic Medical Center
Classification: Benign. Review status: no assertion criteria provided. Collection method: clinical testing. Allele origin: germline. Affected: yes. Study: VKGL Data-share Consensus. Not counted in ClinVar's aggregate classification.

Genome Diagnostics Laboratory, University Medical Center Utrecht
Classification: Likely benign. Review status: no assertion criteria provided. Collection method: clinical testing. Allele origin: germline. Affected: yes. Study: VKGL Data-share Consensus. Not counted in ClinVar's aggregate classification.

NM_002230.4(JUP):c.1365C>T (p.Ala455=)

Gene: JUP (junction plakoglobin; minus strand). Cytogenetic location: 17q21.2.
Variant type: single nucleotide variant.
Coding change: c.1365C>T on transcript NM_002230.4 (MANE Select); coding-DNA position 1365, C replaced by T.
Protein change: p.Ala455=; no amino-acid change (alanine 455 retained).
Molecular consequence: synonymous variant.
Genome position (GRCh38, 1-based): chr17:41,763,115, G>A on the plus strand (C>T on the coding strand, the complement: JUP is on the minus strand). VCF-style: chr17-41763115-G-A. GRCh37 (hg19) VCF-style: chr17-39919367-G-A.
Other names: c.1365C>T, p.Ala455= (NM_001352773.2, NM_001352774.2, NM_001352775.2 and 3 more transcripts); c.1365C>T (NM_002230.3).
Identifiers: ClinVar variation 163717 (VCV000163717.24), dbSNP rs77375949, ClinGen allele CA176379.